The following is an entry in ClinVar:

ClinVar aggregate classification (germline): Uncertain significance. Review status: criteria provided, multiple submitters, no conflicts (2 of 4 stars). 6 submissions from 5 submitters: Uncertain significance (6). Last evaluated 2025-08-08.

Conditions:
LAMB2-related infantile-onset nephrotic syndrome. Also called: NEPHROTIC SYNDROME, TYPE 5, WITHOUT OCULAR ABNORMALITIES; NEPHROTIC SYNDROME, TYPE 5, WITH OCULAR ABNORMALITIES; Nephrotic Syndrome, type 5. Identifiers: Orphanet 306507, MedGen C3280113, MONDO:0013621, OMIM 614199.
Pierson syndrome. Also called: MICROCORIA-CONGENITAL NEPHROTIC SYNDROME. Identifiers: Orphanet 2670, MedGen C1836876, MONDO:0012184, OMIM 609049.
Inborn genetic diseases. Identifiers: MedGen C0950123, MeSH D030342.

Allele frequency attached by ClinVar (database versions not stated): ExAC 0.00003; gnomAD 0.00003 and 0.00005; gnomAD exomes 0.00003; TOPMed 0.00003.

Submissions (6):

Ambry Genetics
Classification: Uncertain significance for Inborn genetic diseases. Last evaluated: 2025-08-08. Review status: criteria provided, single submitter. Criteria: Ambry Variant Classification Scheme 2023. Collection method: clinical testing. Allele origin: germline.

Labcorp Genetics (formerly Invitae), Labcorp
Classification: Uncertain significance for LAMB2-related infantile-onset nephrotic syndrome; Pierson syndrome. Last evaluated: 2024-08-12. Review status: criteria provided, single submitter. Criteria: Invitae Variant Classification Sherloc (09022015). Collection method: clinical testing. Allele origin: germline.
Comment: This sequence change replaces arginine, which is basic and polar, with tryptophan, which is neutral and slightly polar, at codon 475 of the LAMB2 protein (p.Arg475Trp). This variant is present in population databases (rs144487632, gnomAD 0.004%). This variant has not been reported in the literature in individuals affected with LAMB2-related conditions. ClinVar contains an entry for this variant (Variation ID: 346004). An algorithm developed to predict the effect of missense changes on protein structure and function (PolyPhen-2) suggests that this variant is likely to be disruptive. In summary, the available evidence is currently insufficient to determine the role of this variant in disease. Therefore, it has been classified as a Variant of Uncertain Significance.

Fulgent Genetics
Classification: Uncertain significance for Pierson syndrome; LAMB2-related infantile-onset nephrotic syndrome. Last evaluated: 2024-02-07. Review status: criteria provided, single submitter. Criteria: ACMG Guidelines, 2015. Collection method: clinical testing. Allele origin: germline.

Illumina Laboratory Services, Illumina
Classification: Uncertain significance for LAMB2-related infantile-onset nephrotic syndrome. Last evaluated: 2018-01-12. Review status: criteria provided, single submitter. Criteria: ICSL Variant Classification Criteria 13 December 2019. Collection method: clinical testing. Allele origin: germline.

Illumina Laboratory Services, Illumina
Classification: Uncertain significance for Pierson syndrome. Last evaluated: 2018-01-12. Review status: criteria provided, single submitter. Criteria: ICSL Variant Classification Criteria 13 December 2019. Collection method: clinical testing. Allele origin: germline.

Breakthrough Genomics
Classification: Uncertain significance. Review status: criteria provided, single submitter. Criteria: ACMG Guidelines, 2015. Collection method: not provided. Allele origin: germline. Inheritance: Autosomal recessive inheritance. Affected: yes.

NM_002292.4(LAMB2):c.1423C>T (p.Arg475Trp)

Gene: LAMB2 (laminin subunit beta 2; minus strand). Cytogenetic location: 3p21.31.
Variant type: single nucleotide variant.
Coding change: c.1423C>T on transcript NM_002292.4 (MANE Select); coding-DNA position 1423, C replaced by T.
Protein change: p.Arg475Trp; replaces arginine 475 with tryptophan.
Molecular consequence: missense variant.
Genome position (GRCh38, 1-based): chr3:49,129,699, G>A on the plus strand (C>T on the coding strand, the complement: LAMB2 is on the minus strand). VCF-style: chr3-49129699-G-A. GRCh37 (hg19) VCF-style: chr3-49167132-G-A.
Other names: short protein forms R475W.
Identifiers: ClinVar variation 346004 (VCV000346004.16), dbSNP rs144487632, ClinGen allele CA2394591.